The following is an entry in ClinVar:

ClinVar aggregate classification (germline): Conflicting classifications of pathogenicity. Review status: criteria provided, conflicting classifications (1 of 4 stars). 3 submissions from 3 submitters: Uncertain significance (1); Likely benign (2). Last evaluated 2025-12-15.

Conditions:
Inborn genetic diseases. Identifiers: MedGen C0950123, MeSH D030342.

Allele frequency attached by ClinVar (database versions not stated): gnomAD 0.00001 and 0.00002; gnomAD exomes 0.00003 and 0.00009; TOPMed 0.00006; ExAC 0.00008.
gnomAD v4.1: 43 of 1,614,164 alleles (0.0027%); highest among the groups gnomAD compares: Admixed American, 0.047%; no homozygotes.

Submissions (3):

Labcorp Genetics (formerly Invitae), Labcorp
Classification: Likely benign. Last evaluated: 2025-12-15. Review status: criteria provided, single submitter. Criteria: Invitae Variant Classification Sherloc (09022015). Collection method: clinical testing. Allele origin: germline.

Ambry Genetics
Classification: Uncertain significance for Inborn genetic diseases. Last evaluated: 2025-05-18. Review status: criteria provided, single submitter. Criteria: Ambry Variant Classification Scheme 2023. Collection method: clinical testing. Allele origin: germline.

GeneDx
Classification: Likely benign. Last evaluated: 2015-07-21. Review status: criteria provided, single submitter. Criteria: GeneDx Variant Classification (06012015). Collection method: clinical testing. Allele origin: germline. Affected: yes.
Comment: This variant is considered likely benign or benign based on one or more of the following criteria: it is a conservative change, it occurs at a poorly conserved position in the protein, it is predicted to be benign by multiple in silico algorithms, and/or has population frequency not consistent with disease.

NM_014049.5(ACAD9):c.931G>A (p.Val311Met)

Genes: ACAD9 (acyl-CoA dehydrogenase family member 9; plus strand), LOC126806807 (BRD4-independent group 4 enhancer GRCh37_chr3:128620937-128622136; plus strand). Cytogenetic location: 3q21.3.
Variant type: single nucleotide variant.
Coding change: c.931G>A on transcript NM_014049.5 (MANE Select); coding-DNA position 931, G replaced by A.
Protein change: p.Val311Met; replaces valine 311 with methionine.
Molecular consequence: missense variant. On other transcripts: non-coding transcript variant (1).
Genome position (GRCh38, 1-based): chr3:128,902,601, G>A. VCF-style: chr3-128902601-G-A. GRCh37 (hg19) VCF-style: chr3-128621444-G-A.
Other names: p.V311M:GTG>ATG; short protein forms V311M.
Identifiers: ClinVar variation 213990 (VCV000213990.10), dbSNP rs373112503, ClinGen allele CA322988.